The following is an entry in ClinVar:

NM_000090.4(COL3A1):c.1662+1G>A

Gene: COL3A1 (collagen type III alpha 1 chain; plus strand). Cytogenetic location: 2q32.2.
Variant type: single nucleotide variant.
Coding change: c.1662+1G>A on transcript NM_000090.4 (MANE Select); the canonical splice donor site of the intron after coding-DNA position 1662, G replaced by A.
Molecular consequence: splice donor variant.
Genome position (GRCh38, 1-based): chr2:188,996,179, G>A. VCF-style: chr2-188996179-G-A. GRCh37 (hg19) VCF-style: chr2-189860905-G-A.
Identifiers: ClinVar variation 101269 (VCV000101269.61), dbSNP rs587779535, ClinGen allele CA004403.

ClinVar aggregate classification (germline): Pathogenic. Review status: criteria provided, multiple submitters, no conflicts (2 of 4 stars). 9 submissions from 9 submitters: Pathogenic (8). 1 of the submissions does not count toward it. Last evaluated 2026-08-12.

Conditions:
COL3A1-related disorder. Also called: COL3A1-related condition.
Familial thoracic aortic aneurysm and aortic dissection (TAAD). Also called: Thoracic aortic aneurysms and dissections. Identifiers: Orphanet 91387, MedGen C4707243, MONDO:0019625.
Ehlers-Danlos syndrome, type 4 (EDSVASC). Also called: Ehlers-Danlos syndrome vascular type; Ehlers Danlos syndrome, ecchymotic type; Ehlers Danlos syndrome, arterial type; Ehlers Danlos syndrome, Sack-Barabas type; Ehlers-Danlos Syndrome Type IV. Identifiers: Orphanet 286, MedGen C0268338, MONDO:0017314, OMIM 130050.

Allele frequency attached by ClinVar (database versions not stated): gnomAD exomes below 0.00001; ExAC 0.00001.
gnomAD v4.1: 1 of 1,612,930 alleles (0.000062%); highest among the groups gnomAD compares: Non-Finnish European, 0.000085%; no homozygotes.

Submissions (10):

PreventionGenetics, part of Exact Sciences
Classification: Pathogenic for COL3A1-related condition. Last evaluated: 2026-08-12. Review status: criteria provided, single submitter. Criteria: ACMG Guidelines, 2015. Collection method: clinical testing. Allele origin: germline.
Comment: The COL3A1 c.1662+1G>A variant is predicted to disrupt the GT donor site and interfere with normal splicing. This variant has been reported in individuals with vascular Ehlers-Danlos syndrome, including several de novo occurrences; and, when inherited it has been shown to segregate with disease (see, for example: Pepin et al. 2014. PubMed ID: 24922459; Kim et al. 2014. PubMed ID: 24653803; Frank et al. 2015. PubMed ID: 25758994; Legrand et al. 2018. PubMed ID: 30474650; Yokoi et al. 2021. PubMed ID: 33368646). This variant is reported in 0.00088% of alleles in individuals of European (Non-Finnish) descent in gnomAD. Variants that disrupt the consensus splice donor site in COL3A1 are expected to be pathogenic. This variant is interpreted as pathogenic.

Labcorp Genetics (formerly Invitae), Labcorp
Classification: Pathogenic for Ehlers-Danlos syndrome, type 4. Last evaluated: 2025-12-10. Review status: criteria provided, single submitter. Criteria: Invitae Variant Classification Sherloc (09022015). Collection method: clinical testing. Allele origin: germline.
Comment: This sequence change affects a donor splice site in intron 23 of the COL3A1 gene. It is expected to disrupt RNA splicing. Variants that disrupt the donor or acceptor splice site typically lead to a loss of protein function (PMID: 16199547), and loss-of-function variants in COL3A1 are known to be pathogenic (PMID: 24922459). This variant is present in population databases (rs587779535, gnomAD 0.0009%). Disruption of this splice site has been observed in individuals with Ehlers-Danlos syndrome (EDS), vascular type (PMID: 8881656, 9399899, 21533953, 25758994). This variant is also known as IVS24+1G>A. ClinVar contains an entry for this variant (Variation ID: 101269). Algorithms developed to predict the effect of sequence changes on RNA splicing suggest that this variant may disrupt the consensus splice site. For these reasons, this variant has been classified as Pathogenic.

Women's Health and Genetics/Laboratory Corporation of America, LabCorp
Classification: Pathogenic for Ehlers-Danlos syndrome, type 4. Last evaluated: 2025-07-08. Review status: criteria provided, single submitter. Criteria: LabCorp Variant Classification Summary - May 2015. Collection method: clinical testing. Allele origin: germline.
Comment: Variant summary: COL3A1 c.1662+1G>A is located in a canonical splice-site and is predicted to affect mRNA splicing resulting in a significantly altered protein due to either exon skipping, shortening, or inclusion of intronic material. Variants that disrupt the consensus splice site are a relatively common cause of aberrant splicing and loss of COL3A1 function. Several computational tools predict a significant impact on normal splicing: Three predict the variant abolishes a 5' splicing donor site. However, these predictions have yet to be confirmed by functional studies. The frequency data for this variant in gnomAD is considered unreliable, as metrics indicate poor data quality at this position. c.1662+1G>A has been observed in multiple individuals affected with Ehlers-Danlos Syndrome, Vascular Type (Pepin_2014, Kim_2014). These data indicate that the variant is very likely to be associated with disease. To our knowledge, no experimental evidence demonstrating an impact on protein function has been reported. The following publications have been ascertained in the context of this evaluation (PMID: 22492385, 24653803, 24922459, 10706896, 9399899). ClinVar contains an entry for this variant (Variation ID: 101269). Based on the evidence outlined above, the variant was classified as pathogenic.

CeGaT Center for Human Genetics Tuebingen
Classification: Pathogenic. Last evaluated: 2025-07-01. Review status: criteria provided, single submitter. Criteria: CeGaT Center For Human Genetics Tuebingen Variant Classification Criteria Version 2. Collection method: clinical testing. Allele origin: germline. Affected: yes. Observed: 3 variant alleles.
Comment: COL3A1: PS2:Very Strong, PS4, PVS1:Strong, PM2, PS1:Supporting

GeneDx
Classification: Pathogenic. Last evaluated: 2024-04-01. Review status: criteria provided, single submitter. Criteria: GeneDx Variant Classification Process June 2021. Collection method: clinical testing. Allele origin: germline. Affected: yes.
Comment: Published functional studies demonstrate a damaging effect through skipping of exon 23 (PMID: 22492385, 21533953); Damages or destroys the splice donor site in intron 23, and is expected to cause abnormal gene splicing; if the splice outcome is exon skip, the loss of the encoded residues in the triple helical region is expected to disrupt normal protein folding and function, and this is an established mechanism of disease (HGMD); Not observed at significant frequency in large population cohorts (gnomAD); This variant is associated with the following publications: (PMID: 25525159, 30474650, 21533953, 9399899, 24922459, 10706896, 9036918, 18043893, 25758994, 22492385, 33368646, 35984436, 33959295, 36189931, 8881656)

3billion
Classification: Pathogenic for Ehlers-Danlos syndrome, type 4. Last evaluated: 2023-12-27. Review status: criteria provided, single submitter. Criteria: ACMG Guidelines, 2015. Collection method: clinical testing. Allele origin: germline. Affected: yes.
Comment: The variant is observed at an extremely low frequency in the gnomAD v2.1.1 dataset (total allele frequency: <0.001%). Predicted Consequence/Location: Canonical splice site: predicted to alter splicing and result in a loss or disruption of normal protein function. Multiple pathogenic loss-of-function variants are reported downstream of the variant. In silico tools predict the variant to alter splicing and produce an abnormal transcript [Splice AI: 0.97 (spliceogenicity >=0.2, non-spliceogenicity <0.1)]. The variant has been reported at least twice as pathogenic with clinical assertions and evidence for the classification (ClinVar ID: VCV000101269 /PMID: 8881656 /3billion dataset). Therefore, this variant is classified as Pathogenic according to the recommendation of ACMG/AMP guideline.

Blueprint Genetics
Classification: Pathogenic for COL3A1-related disorders. Last evaluated: 2023-08-31. Review status: criteria provided, single submitter. Criteria: ACMG Guidelines, 2015. Collection method: clinical testing. Allele origin: germline. Affected: yes. Observed: 2 variant alleles.

Ambry Genetics
Classification: Pathogenic for Familial thoracic aortic aneurysm and aortic dissection. Last evaluated: 2017-01-12. Review status: criteria provided, single submitter. Criteria: Ambry Variant Classification Scheme 2023. Collection method: clinical testing. Allele origin: germline.
Comment: The c.1662+1G>A intronic pathogenic mutation results from a G to A substitution one nucleotide after coding exon 23 of the COL3A1 gene. This alteration, previously referred to as IVS 24+1 G>A, has been reported in multiple unrelated individuals with Ehlers-Danlos syndrome and shown to cause exon 23 skipping (Pope FM et al. Br. J. Dermatol., 1996 Aug;135:163-81; Schwarze U et al. Am. J. Hum. Genet., 1997 Dec;61:1276-86; Omori H et al. Surg. Today, 2011 May;41:733-6; Frank M et al. Eur. J. Hum. Genet., 2015 Dec;23:1657-64). In addition to the clinical data presented in the literature, alterations that disrupt the canonical splice site are expected to cause aberrant splicing, resulting in an abnormal protein or a transcript that is subject to nonsense-mediated mRNA decay. As such, this alteration is classified as a disease-causing mutation.

Collagen Diagnostic Laboratory, University of Washington
Classification: Pathogenic for Ehlers-Danlos syndrome, type 4. Review status: no assertion criteria provided. Collection method: clinical testing. Allele origin: germline. Affected: yes. Not counted in ClinVar's aggregate classification.

Dr. Peter K. Rogan Lab, Western University
No classification provided (evidence only). Condition: Uterine corpus endometrial carcinoma. Review status: no classification provided. Collection method: in vitro. Allele origin: not applicable. Functional consequence: skipped exon, retained intron. Not counted in ClinVar's aggregate classification.

Literature cited by the submitters: PubMed 16199547 (cited by Labcorp Genetics (formerly Invitae), Labcorp); PubMed 24922459 (cited by Labcorp Genetics (formerly Invitae), Labcorp and Women's Health and Genetics/Laboratory Corporation of America, LabCorp); PubMed 8881656 (cited by 3 submitters); PubMed 9399899 (cited by 4 submitters); PubMed 21533953 (cited by Labcorp Genetics (formerly Invitae), Labcorp and Ambry Genetics); PubMed 25758994 (cited by Labcorp Genetics (formerly Invitae), Labcorp and Ambry Genetics); PubMed 22492385 (cited by Women's Health and Genetics/Laboratory Corporation of America, LabCorp); PubMed 24653803 (cited by Women's Health and Genetics/Laboratory Corporation of America, LabCorp); PubMed 10706896 (cited by Women's Health and Genetics/Laboratory Corporation of America, LabCorp and Collagen Diagnostic Laboratory, University of Washington); PubMed 18043893 (cited by Collagen Diagnostic Laboratory, University of Washington); PubMed 9036918 (cited by Collagen Diagnostic Laboratory, University of Washington).